The following is an entry in ClinVar:

NM_024685.4(BBS10):c.504C>G (p.Ser168Arg)

Gene: BBS10 (Bardet-Biedl syndrome 10; minus strand). Cytogenetic location: 12q21.2.
Variant type: single nucleotide variant.
Coding change: c.504C>G on transcript NM_024685.4 (MANE Select); coding-DNA position 504, C replaced by G.
Protein change: p.Ser168Arg; replaces serine 168 with arginine.
Molecular consequence: missense variant.
Genome position (GRCh38, 1-based): chr12:76,347,481, G>C on the plus strand (C>G on the coding strand, the complement: BBS10 is on the minus strand). VCF-style: chr12-76347481-G-C. GRCh37 (hg19) VCF-style: chr12-76741261-G-C.
Other names: c.504C>G (NM_024685.3); short protein forms S168R.
Identifiers: ClinVar variation 2071569 (VCV002071569.5), dbSNP rs1951768557, ClinGen allele CA385815045.

ClinVar aggregate classification (germline): Uncertain significance. Review status: criteria provided, single submitter (1 of 4 stars). 2 submissions from 2 submitters: Uncertain significance (1). 1 of the submissions does not count toward it. Last evaluated 2022-01-03.

Conditions:
Bardet-Biedl syndrome 10 (BBS10). Identifiers: Orphanet 110, MedGen C1859568, MONDO:0014438, OMIM 615987.
Bardet-Biedl syndrome (BBS). Identifiers: Orphanet 110, MedGen C0752166, MONDO:0015229.

Allele frequency attached by ClinVar (database versions not stated): gnomAD exomes below 0.00001.
gnomAD v4.1: 1 of 1,613,588 alleles (0.000062%); highest among the groups gnomAD compares: East Asian, 0.0022%; no homozygotes.

Submissions (2):

Labcorp Genetics (formerly Invitae), Labcorp
Classification: Uncertain significance for Bardet-Biedl syndrome. Last evaluated: 2022-01-03. Review status: criteria provided, single submitter. Criteria: Invitae Variant Classification Sherloc (09022015). Collection method: clinical testing. Allele origin: germline.
Comment: This variant has not been reported in the literature in individuals affected with BBS10-related conditions. This variant is not present in population databases (gnomAD no frequency). This sequence change replaces serine, which is neutral and polar, with arginine, which is basic and polar, at codon 168 of the BBS10 protein (p.Ser168Arg). Algorithms developed to predict the effect of missense changes on protein structure and function output the following: SIFT: "Tolerated"; PolyPhen-2: "Benign"; Align-GVGD: "Class C0". The arginine amino acid residue is found in multiple mammalian species, which suggests that this missense change does not adversely affect protein function. In summary, the available evidence is currently insufficient to determine the role of this variant in disease. Therefore, it has been classified as a Variant of Uncertain Significance. Algorithms developed to predict the effect of sequence changes on RNA splicing suggest that this variant may create or strengthen a splice site.

Natera, Inc.
Classification: Uncertain significance for Bardet-Biedl syndrome type 10. Last evaluated: 2025-02-21. Review status: no assertion criteria provided. Collection method: clinical testing. Allele origin: germline. Not counted in ClinVar's aggregate classification.